The following is an entry in ClinVar:

ClinVar aggregate classification (germline): Uncertain significance. Review status: criteria provided, multiple submitters, no conflicts (2 of 4 stars). 2 submissions from 2 submitters: Uncertain significance (2). Last evaluated 2025-12-01.

Conditions:
Inborn genetic diseases. Identifiers: MedGen C0950123, MeSH D030342.

Allele frequency attached by ClinVar (database versions not stated): gnomAD 0.00001; gnomAD exomes 0.00002; ExAC 0.00004; 1000 Genomes Project 30x 0.00016; 1000 Genomes Project 0.00020.

Submissions (2):

Labcorp Genetics (formerly Invitae), Labcorp
Classification: Uncertain significance. Last evaluated: 2025-12-01. Review status: criteria provided, single submitter. Criteria: Invitae Variant Classification Sherloc (09022015). Collection method: clinical testing. Allele origin: germline.
Comment: This sequence change replaces lysine, which is basic and polar, with threonine, which is neutral and polar, at codon 715 of the ITGB3 protein (p.Lys715Thr). This variant is present in population databases (rs538875423, gnomAD 0.02%). This variant has not been reported in the literature in individuals affected with ITGB3-related conditions. ClinVar contains an entry for this variant (Variation ID: 3111439). Invitae Evidence Modeling of protein sequence and biophysical properties (such as structural, functional, and spatial information, amino acid conservation, physicochemical variation, residue mobility, and thermodynamic stability) indicates that this missense variant is not expected to disrupt ITGB3 protein function with a negative predictive value of 80%. In summary, the available evidence is currently insufficient to determine the role of this variant in disease. Therefore, it has been classified as a Variant of Uncertain Significance.

Ambry Genetics
Classification: Uncertain significance for Inborn genetic diseases. Last evaluated: 2024-01-17. Review status: criteria provided, single submitter. Criteria: Ambry Variant Classification Scheme 2023. Collection method: clinical testing. Allele origin: germline.

NM_000212.3(ITGB3):c.2144A>C (p.Lys715Thr)

Genes: EFCAB13-DT (EFCAB13 divergent transcript; minus strand), ITGB3 (integrin subunit beta 3; plus strand). Cytogenetic location: 17q21.32.
Variant type: single nucleotide variant.
Coding change: c.2144A>C on transcript NM_000212.3 (MANE Select); coding-DNA position 2144, A replaced by C.
Protein change: p.Lys715Thr; replaces lysine 715 with threonine.
Molecular consequence: missense variant.
Genome position (GRCh38, 1-based): chr17:47,307,480, A>C. VCF-style: chr17-47307480-A-C. GRCh37 (hg19) VCF-style: chr17-45384846-A-C.
Other names: short protein forms K715T.
Identifiers: ClinVar variation 3111439 (VCV003111439.2), dbSNP rs538875423, ClinGen allele CA8623463.